The following is an entry in ClinVar:

ClinVar aggregate classification (germline): Uncertain significance (1 of 4 stars; one submission).

Submission:

Labcorp Genetics (formerly Invitae), Labcorp
Classification: Uncertain significance. Last evaluated: 2024-04-08. Review status: criteria provided, single submitter. Criteria: Invitae Variant Classification Sherloc (09022015). Collection method: clinical testing. Allele origin: germline.
Comment: This sequence change replaces leucine, which is neutral and non-polar, with proline, which is neutral and non-polar, at codon 111 of the AVPR2 protein (p.Leu111Pro). This variant is not present in population databases (gnomAD no frequency). This variant has not been reported in the literature in individuals affected with AVPR2-related conditions. Advanced modeling of protein sequence and biophysical properties (such as structural, functional, and spatial information, amino acid conservation, physicochemical variation, residue mobility, and thermodynamic stability) performed at Invitae indicates that this missense variant is expected to disrupt AVPR2 protein function with a positive predictive value of 80%. In summary, the available evidence is currently insufficient to determine the role of this variant in disease. Therefore, it has been classified as a Variant of Uncertain Significance.

NM_000054.7(AVPR2):c.332T>C (p.Leu111Pro)

Gene: AVPR2 (arginine vasopressin receptor 2; plus strand). Cytogenetic location: Xq28.
Variant type: single nucleotide variant.
Coding change: c.332T>C on transcript NM_000054.7 (MANE Select); coding-DNA position 332, T replaced by C.
Protein change: p.Leu111Pro; replaces leucine 111 with proline.
Molecular consequence: missense variant.
Genome position (GRCh38, 1-based): chrX:153,905,838, T>C. VCF-style: chrX-153905838-T-C. GRCh37 (hg19) VCF-style: chrX-153171292-T-C.
Other names: c.332T>C, p.Leu111Pro (NM_001146151.3); short protein forms L111P.
Identifiers: ClinVar variation 2835082 (VCV002835082.3), dbSNP rs2521153625, ClinGen allele CA415105161.